The following is an entry in ClinVar:

ClinVar aggregate classification (germline): Uncertain significance (1 of 4 stars; one submission).

Conditions:
TCOF1-related disorder. Also called: TCOF1-related condition.

gnomAD v4.1: 3 of 1,613,940 alleles (0.00019%); highest among the groups gnomAD compares: Non-Finnish European, 0.00025%; no homozygotes.

Submission:

PreventionGenetics, part of Exact Sciences
Classification: Uncertain significance for TCOF1-related condition. Last evaluated: 2025-12-17. Review status: criteria provided, single submitter. Criteria: ACMG Guidelines, 2015. Collection method: clinical testing. Allele origin: germline.
Comment: The TCOF1 c.2945G>A variant is predicted to result in the amino acid substitution p.Ser982Asn. To our knowledge, this variant has not been reported in the literature. This variant is reported in 0.00089% of alleles in individuals of European (Non-Finnish) descent in gnomAD. At this time, the clinical significance of this variant is uncertain due to the absence of conclusive functional and genetic evidence.

NM_001371623.1(TCOF1):c.2945G>A (p.Ser982Asn)

Gene: TCOF1 (treacle ribosome biogenesis factor 1; plus strand). Cytogenetic location: 5q32.
Variant type: single nucleotide variant.
Coding change: c.2945G>A on transcript NM_001371623.1 (MANE Select); coding-DNA position 2945, G replaced by A.
Protein change: p.Ser982Asn; replaces serine 982 with asparagine.
Molecular consequence: missense variant.
Genome position (GRCh38, 1-based): chr5:150,387,987, G>A. VCF-style: chr5-150387987-G-A. GRCh37 (hg19) VCF-style: chr5-149767550-G-A.
Other names: c.2714G>A, p.Ser905Asn (NM_000356.4, NM_001135245.2); c.2945G>A, p.Ser982Asn (NM_001135243.2, NM_001135244.2, NM_001195141.2); c.2825G>A, p.Ser942Asn (NM_001437406.1); short protein forms S905N, S982N, S942N.
Identifiers: ClinVar variation 4983238 (VCV004983238.1).